The following is an entry in ClinVar:

NM_000701.8(ATP1A1):c.2819G>A (p.Arg940Lys)

Genes: ATP1A1 (ATPase Na+/K+ transporting subunit alpha 1; plus strand), ATP1A1-AS1 (ATP1A1 antisense RNA 1; minus strand). Cytogenetic location: 1p13.1.
Variant type: single nucleotide variant.
Coding change: c.2819G>A on transcript NM_000701.8 (MANE Select); coding-DNA position 2819, G replaced by A.
Protein change: p.Arg940Lys; replaces arginine 940 with lysine.
Molecular consequence: missense variant.
Genome position (GRCh38, 1-based): chr1:116,401,230, G>A. VCF-style: chr1-116401230-G-A. GRCh37 (hg19) VCF-style: chr1-116943852-G-A.
Other names: c.2819G>A, p.Arg940Lys (NM_001160233.2); c.2726G>A, p.Arg909Lys (NM_001160234.2); short protein forms R909K, R940K.
Identifiers: ClinVar variation 1718907 (VCV001718907.5), dbSNP rs2525893412, ClinGen allele CA341775730.
Genomic context (GRCh38, chr1:116,401,230, plus strand): 5'-CAGCCTTCTTCGTCAGTATCGTGGTGGTGCAGTGGGCCGACTTGGTCATCTGTAAGACCA[G>A]GAGGAATTCGGTCTTCCAGCAGGGGATGAAGTAAGTAATGAAGGACATGTCAAGGCCTTG-3'
Protein context (NP_000692.2, residues 930-950): QWADLVICKT[Arg940Lys]RNSVFQQGMK

ClinVar aggregate classification (germline): Uncertain significance (1 of 4 stars; one submission).

Allele frequency attached by ClinVar (database versions not stated): gnomAD exomes below 0.00001.
gnomAD v4.1: 2 of 1,614,210 alleles (0.00012%); highest among the groups gnomAD compares: Non-Finnish European, 0.00017%; no homozygotes.

Submission:

Labcorp Genetics (formerly Invitae), Labcorp
Classification: Uncertain significance. Last evaluated: 2022-09-06. Review status: criteria provided, single submitter. Criteria: Invitae Variant Classification Sherloc (09022015). Collection method: clinical testing. Allele origin: germline.
Comment: This variant has not been reported in the literature in individuals affected with ATP1A1-related conditions. This variant is not present in population databases (gnomAD no frequency). This sequence change replaces arginine, which is basic and polar, with lysine, which is basic and polar, at codon 940 of the ATP1A1 protein (p.Arg940Lys). Advanced modeling of protein sequence and biophysical properties (such as structural, functional, and spatial information, amino acid conservation, physicochemical variation, residue mobility, and thermodynamic stability) performed at Invitae indicates that this missense variant is expected to disrupt ATP1A1 protein function. In summary, the available evidence is currently insufficient to determine the role of this variant in disease. Therefore, it has been classified as a Variant of Uncertain Significance.